The following is an entry in ClinVar:

ClinVar aggregate classification (germline): Uncertain significance (1 of 4 stars; one submission).

Conditions:
RAI1-related disorder. Also called: RAI1-related condition.

Submission:

PreventionGenetics, part of Exact Sciences
Classification: Uncertain significance for RAI1-related condition. Last evaluated: 2026-09-01. Review status: criteria provided, single submitter. Criteria: ACMG Guidelines, 2015. Collection method: clinical testing. Allele origin: germline.
Comment: The RAI1 c.614A>G variant is predicted to result in the amino acid substitution p.Gln205Arg. To our knowledge, this variant has not been reported in the literature or in a large population database (gnomAD), indicating this variant is rare. At this time, the clinical significance of this variant is uncertain due to the absence of conclusive functional and genetic evidence.

NM_030665.4(RAI1):c.614A>G (p.Gln205Arg)

Gene: RAI1 (retinoic acid induced 1; plus strand). Cytogenetic location: 17p11.2.
Variant type: single nucleotide variant.
Coding change: c.614A>G on transcript NM_030665.4 (MANE Select); coding-DNA position 614, A replaced by G.
Protein change: p.Gln205Arg; replaces glutamine 205 with arginine.
Molecular consequence: missense variant.
Genome position (GRCh38, 1-based): chr17:17,793,562, A>G. VCF-style: chr17-17793562-A-G. GRCh37 (hg19) VCF-style: chr17-17696876-A-G.
Other names: short protein forms Q205R.
Identifiers: ClinVar variation 4994481 (VCV004994481.1).